The following is an entry in ClinVar:

NM_001330078.2(NRXN1):c.1915G>A (p.Gly639Ser)

Gene: NRXN1 (neurexin 1; minus strand). Cytogenetic location: 2p16.3.
Variant type: single nucleotide variant.
Coding change: c.1915G>A on transcript NM_001330078.2 (MANE Select); coding-DNA position 1915, G replaced by A.
Protein change: p.Gly639Ser; replaces glycine 639 with serine.
Molecular consequence: missense variant.
Genome position (GRCh38, 1-based): chr2:50,538,481, C>T on the plus strand (G>A on the coding strand, the complement: NRXN1 is on the minus strand). VCF-style: chr2-50538481-C-T. GRCh37 (hg19) VCF-style: chr2-50765619-C-T.
Other names: c.2035G>A, p.Gly679Ser (NM_001135659.3); c.1891G>A, p.Gly631Ser (NM_001330077.2, NM_001330082.2, NM_001330095.2); c.1876G>A, p.Gly626Ser (NM_001330083.2, NM_001330084.2); c.1915G>A, p.Gly639Ser (NM_001330085.2, NM_001330086.2, NM_004801.6); c.1831G>A, p.Gly611Ser (NM_001330087.2, NM_001330096.2); c.1861G>A, p.Gly621Ser (NM_001330088.2); c.1912G>A, p.Gly638Ser (NM_001330093.2); c.1903G>A, p.Gly635Ser (NM_001330094.2); short protein forms G631S, G635S, G638S, G611S, G621S, G626S, G679S, G639S.
Identifiers: ClinVar variation 3722517 (VCV003722517.2).
Genomic context (GRCh38, chr2:50,538,481, plus strand): 5'-TTTGCCGGATATCTTTGCTTTGGCCATCGATGAACAAATCCCTGATGCAGCCCACGTAGC[C>T]ATAGTTGAGCAGAGCAGTCCACACCTCGGTGGGGAAGACAAGGCCAGCTTTATTTTCTGG-3'
Protein context (NP_001317007.1, residues 629-649): TEVWTALLNY[Gly639Ser]YVGCIRDLFI

ClinVar aggregate classification (germline): Uncertain significance (1 of 4 stars; one submission).

Conditions:
Pitt-Hopkins-like syndrome 2 (PTHSL2). Identifiers: Orphanet 221150, Orphanet 600663, MedGen C3280479, MONDO:0013690, OMIM 614325.

Submission:

Labcorp Genetics (formerly Invitae), Labcorp
Classification: Uncertain significance for Pitt-Hopkins-like syndrome 2. Last evaluated: 2024-10-09. Review status: criteria provided, single submitter. Criteria: Invitae Variant Classification Sherloc (09022015). Collection method: clinical testing. Allele origin: germline.
Comment: This sequence change replaces glycine, which is neutral and non-polar, with serine, which is neutral and polar, at codon 679 of the NRXN1 protein (p.Gly679Ser). This variant is not present in population databases (gnomAD no frequency). This variant has not been reported in the literature in individuals affected with NRXN1-related conditions. An algorithm developed to predict the effect of missense changes on protein structure and function (PolyPhen-2) suggests that this variant is likely to be disruptive. In summary, the available evidence is currently insufficient to determine the role of this variant in disease. Therefore, it has been classified as a Variant of Uncertain Significance.